The following is an entry in ClinVar:

NM_004958.4(MTOR):c.2098C>G (p.Leu700Val)

Gene: MTOR (mechanistic target of rapamycin kinase; minus strand). Cytogenetic location: 1p36.22.
Variant type: single nucleotide variant.
Coding change: c.2098C>G on transcript NM_004958.4 (MANE Select); coding-DNA position 2098, C replaced by G.
Protein change: p.Leu700Val; replaces leucine 700 with valine.
Molecular consequence: missense variant.
Genome position (GRCh38, 1-based): chr1:11,237,953, G>C on the plus strand (C>G on the coding strand, the complement: MTOR is on the minus strand). VCF-style: chr1-11237953-G-C. GRCh37 (hg19) VCF-style: chr1-11298010-G-C.
Other names: c.2098C>G, p.Leu700Val (NM_001386500.1); c.850C>G, p.Leu284Val (NM_001386501.1); short protein forms L284V, L700V.
Identifiers: ClinVar variation 4708088 (VCV004708088.3).

ClinVar aggregate classification (germline): Uncertain significance. Review status: criteria provided, multiple submitters, no conflicts (2 of 4 stars). 2 submissions from 2 submitters: Uncertain significance (2). Last evaluated 2026-01-26.

Conditions:
Overgrowth syndrome and/or cerebral malformations due to abnormalities in MTOR pathway genes. Identifiers: MedGen CN300503, MONDO:0100283.

gnomAD v4.1: 3 of 1,614,208 alleles (0.00019%); highest among the groups gnomAD compares: Non-Finnish European, 0.00025%; no homozygotes.

Submissions (2):

Labcorp Genetics (formerly Invitae), Labcorp
Classification: Uncertain significance. Last evaluated: 2026-01-26. Review status: criteria provided, single submitter. Criteria: Invitae Variant Classification Sherloc (09022015). Collection method: clinical testing. Allele origin: germline.
Comment: This sequence change replaces leucine, which is neutral and non-polar, with valine, which is neutral and non-polar, at codon 700 of the MTOR protein (p.Leu700Val). This variant is not present in population databases (gnomAD no frequency). This variant has not been reported in the literature in individuals affected with MTOR-related conditions. Invitae Evidence Modeling of protein sequence and biophysical properties (such as structural, functional, and spatial information, amino acid conservation, physicochemical variation, residue mobility, and thermodynamic stability) indicates that this missense variant is not expected to disrupt MTOR protein function with a negative predictive value of 95%. In summary, the available evidence is currently insufficient to determine the role of this variant in disease. Therefore, it has been classified as a Variant of Uncertain Significance.

Dasa
Classification: Uncertain significance for Overgrowth syndrome and/or cerebral malformations due to abnormalities in MTOR pathway genes. Last evaluated: 2026-01-17. Review status: criteria provided, single submitter. Criteria: DASA Assertion Criteria. Collection method: clinical testing. Allele origin: germline.
Comment: NM_004958.4(MTOR):c.2098C>G (p.Leu700Val) is a missense variant that results in the substitution of leucine with valine. This variant is rare in population databases. The currently available literature and clinical evidence are not sufficient to establish a definitive association between this variant and the reported condition. Therefore, this variant is classified as a variant of uncertain significance.